The following is an entry in ClinVar:

ClinVar aggregate classification (germline): Uncertain significance (1 of 4 stars; one submission).

Conditions:
MYH6-related disorder. Also called: MYH6-related condition; MYH6-Related Disorders.

Submission:

PreventionGenetics, part of Exact Sciences
Classification: Uncertain significance for MYH6-related condition. Last evaluated: 2026-01-26. Review status: criteria provided, single submitter. Criteria: ACMG Guidelines, 2015. Collection method: clinical testing. Allele origin: germline.
Comment: The MYH6 c.1680G>T variant is predicted to result in the amino acid substitution p.Lys560Asn. To our knowledge, this variant has not been reported in the literature or in a large population database (gnomAD), indicating this variant is rare. At this time, the clinical significance of this variant is uncertain due to the absence of conclusive functional and genetic evidence.

NM_002471.4(MYH6):c.1680G>T (p.Lys560Asn)

Gene: MYH6 (myosin heavy chain 6; minus strand). Cytogenetic location: 14q11.2.
Variant type: single nucleotide variant.
Coding change: c.1680G>T on transcript NM_002471.4 (MANE Select); coding-DNA position 1680, G replaced by T.
Protein change: p.Lys560Asn; replaces lysine 560 with asparagine.
Molecular consequence: missense variant.
Genome position (GRCh38, 1-based): chr14:23,398,939, C>A on the plus strand (G>T on the coding strand, the complement: MYH6 is on the minus strand). VCF-style: chr14-23398939-C-A. GRCh37 (hg19) VCF-style: chr14-23868148-C-A.
Other names: short protein forms K560N.
Identifiers: ClinVar variation 4994556 (VCV004994556.1).
Genomic context (GRCh38, chr14:23,398,939, plus strand): 5'-CAGGGAGAAGTGGGCTTCCTGCTTCCCCTTGATGTTGCGTGGCTTCTGGAAATTGTTGGA[C>A]TTGCCCAGGTGGTTGTCGTACAGCTTGGCCTTGAAGGTCATGTCAGTGGCCTTGGGGAAC-3'
Protein context (NP_002462.2, residues 550-570): KAKLYDNHLG[Lys560Asn]SNNFQKPRNI